The following is an entry in ClinVar:

ClinVar aggregate classification (germline): Likely benign (0 of 4 stars; one submission).

Conditions:
PHF6-related disorder. Also called: PHF6-related condition.

gnomAD v4.1: 1 of 1,207,910 alleles (0.000083%); no homozygotes.

Submission:

PreventionGenetics, part of Exact Sciences
Classification: Likely benign for PHF6-related condition. Last evaluated: 2023-05-02. Review status: no assertion criteria provided. Collection method: clinical testing. Allele origin: germline.
Comment: This variant is classified as likely benign based on ACMG/AMP sequence variant interpretation guidelines (Richards et al. 2015 PMID: 25741868, with internal and published modifications).

NM_001015877.2(PHF6):c.418+7C>A

Gene: PHF6 (PHD finger protein 6; plus strand). Cytogenetic location: Xq26.2.
Variant type: single nucleotide variant.
Coding change: c.418+7C>A on transcript NM_001015877.2 (MANE Select); 7 bases into the intron after coding-DNA position 418, C replaced by A.
Molecular consequence: intron variant.
Genome position (GRCh38, 1-based): chrX:134,393,959, C>A. VCF-style: chrX-134393959-C-A. GRCh37 (hg19) VCF-style: chrX-133527989-C-A.
Other names: c.418+7C>A (NM_032458.3, NM_032335.3).
Identifiers: ClinVar variation 3355954 (VCV003355954.1).